The following is an entry in ClinVar:

NM_000179.3(MSH6):c.1753_1754del (p.Leu585fs)

Gene: MSH6 (mutS homolog 6; plus strand). Cytogenetic location: 2p16.3.
Variant type: Microsatellite.
Coding change: c.1753_1754del on transcript NM_000179.3 (MANE Select); coding-DNA positions 1753 to 1754, 2 bases deleted (CT; older notation c.1753_1754delCT).
Protein change: p.Leu585fs; shifts the reading frame from leucine 585.
Molecular consequence: frameshift variant. On other transcripts: non-coding transcript variant (4), intron variant (2).
Genome position (GRCh38, 1-based): chr2:47,799,736-47,799,737, CT deleted; deleting any 2 consecutive bases within chr2:47,799,734-47,799,737 gives the same sequence; the c. name uses the placement nearest the transcript's 3' end. VCF-style (leftmost placement, unchanged base first): chr2-47799733-ACT-A. GRCh37 (hg19) VCF-style: chr2-48026872-ACT-A.
Other names: c.1751_1752CT[1], p.Leu585Serfs (NM_000179.2); c.1363_1364del, p.Leu455fs (NM_001281492.2); c.847_848del, p.Leu283fs (NM_001281493.2, NM_001281494.2, NM_001406811.1 and 6 more transcripts); c.1849_1850del, p.Leu617fs (NM_001406795.1, NM_001406802.1); c.1753_1754del, p.Leu585fs (NM_001406796.1, NM_001406798.1, NM_001406800.1 and 3 more transcripts); c.1456_1457del, p.Leu486fs (NM_001406797.1, NM_001406801.1, NM_001406805.1 and 10 more transcripts); c.1228_1229del, p.Leu410fs (NM_001406799.1, NM_001406806.1, NM_001406807.1); c.1675_1676del, p.Leu559fs (NM_001406804.1); and 5 more; short protein forms L283fs, L410fs, L455fs, L486fs, L529fs, L559fs, L585fs, L587fs.
Identifiers: ClinVar variation 2673593 (VCV002673593.2), dbSNP rs2530627899, ClinGen allele CA2695200623.

ClinVar aggregate classification (germline): Pathogenic. Review status: criteria provided, multiple submitters, no conflicts (2 of 4 stars). 2 submissions from 2 submitters: Pathogenic (2). Last evaluated 2025-08-26.

Conditions:
Hereditary cancer-predisposing syndrome. Also called: Tumor predisposition; Hereditary neoplastic syndrome; Neoplastic Syndromes, Hereditary; Hereditary Cancer Syndrome. Identifiers: Orphanet 140162, MedGen C0027672, MeSH D009386, MONDO:0015356.
Lynch syndrome 5 (LYNCH5). Also called: Colorectal cancer, hereditary nonpolyposis, type 5; Hereditary non-polyposis colorectal cancer, type 5. Identifiers: Orphanet 144, MedGen C1833477, MONDO:0013710, OMIM 614350. Disease mechanism: loss of function.

Submissions (2):

Ambry Genetics
Classification: Pathogenic for Hereditary cancer-predisposing syndrome. Last evaluated: 2025-08-26. Review status: criteria provided, single submitter. Criteria: Ambry Variant Classification Scheme 2023. Collection method: clinical testing. Allele origin: germline.
Comment: The c.1753_1754delCT pathogenic mutation, located in coding exon 4 of the MSH6 gene, results from a deletion of two nucleotides at nucleotide positions 1753 to 1754, causing a translational frameshift with a predicted alternate stop codon (p.L585Sfs*12). This variant is considered to be rare based on population cohorts in the Genome Aggregation Database (gnomAD). This alteration is expected to result in loss of function by premature protein truncation or nonsense-mediated mRNA decay. As such, this alteration is interpreted as a disease-causing mutation.

Myriad Genetics, Inc.
Classification: Pathogenic for Lynch syndrome 5. Last evaluated: 2023-08-15. Review status: criteria provided, single submitter. Criteria: Myriad Autosomal Dominant, Autosomal Recessive and X-Linked Classification Criteria (2023). Collection method: clinical testing. Allele origin: unknown.
Comment: This variant is considered pathogenic. This variant creates a frameshift predicted to result in premature protein truncation.